The following is an entry in ClinVar:

NM_182914.3(SYNE2):c.7522C>T (p.Leu2508Phe)

Gene: SYNE2 (spectrin repeat containing nuclear envelope protein 2; plus strand). Cytogenetic location: 14q23.2.
Variant type: single nucleotide variant.
Coding change: c.7522C>T on transcript NM_182914.3 (MANE Select); coding-DNA position 7522, C replaced by T.
Protein change: p.Leu2508Phe; replaces leucine 2508 with phenylalanine.
Molecular consequence: missense variant.
Genome position (GRCh38, 1-based): chr14:64,049,755, C>T. VCF-style: chr14-64049755-C-T. GRCh37 (hg19) VCF-style: chr14-64516473-C-T.
Other names: c.7522C>T, p.Leu2508Phe (NM_015180.6); short protein forms L2508F.
Identifiers: ClinVar variation 1026460 (VCV001026460.10), dbSNP rs1434034677, ClinGen allele CA389959033.

ClinVar aggregate classification (germline): Uncertain significance (1 of 4 stars; one submission).

Conditions:
Emery-Dreifuss muscular dystrophy 5, autosomal dominant (EDMD5). Also called: EMERY-DREIFUSS MUSCULAR DYSTROPHY 5. Identifiers: Orphanet 261, MedGen C2751805, MONDO:0013072, OMIM 612999.

Allele frequency attached by ClinVar (database versions not stated): gnomAD exomes below 0.00001.
gnomAD v4.1: 2 of 1,614,106 alleles (0.00012%); highest among the groups gnomAD compares: Non-Finnish European, 0.00017%; no homozygotes.

Submission:

Labcorp Genetics (formerly Invitae), Labcorp
Classification: Uncertain significance for Emery-Dreifuss muscular dystrophy 5, autosomal dominant. Last evaluated: 2022-07-05. Review status: criteria provided, single submitter. Criteria: Invitae Variant Classification Sherloc (09022015). Collection method: clinical testing. Allele origin: germline.
Comment: In summary, the available evidence is currently insufficient to determine the role of this variant in disease. Therefore, it has been classified as a Variant of Uncertain Significance. Algorithms developed to predict the effect of missense changes on protein structure and function are either unavailable or do not agree on the potential impact of this missense change (SIFT: "Deleterious"; PolyPhen-2: "Probably Damaging"; Align-GVGD: "Class C0"). ClinVar contains an entry for this variant (Variation ID: 1026460). This variant has not been reported in the literature in individuals affected with SYNE2-related conditions. This variant is present in population databases (no rsID available, gnomAD 0.006%). This sequence change replaces leucine, which is neutral and non-polar, with phenylalanine, which is neutral and non-polar, at codon 2508 of the SYNE2 protein (p.Leu2508Phe).